The following is an entry in ClinVar:

ClinVar aggregate classification (germline): Benign. Review status: criteria provided, multiple submitters, no conflicts (2 of 4 stars). 2 submissions from 2 submitters: Benign (2). Last evaluated 2018-01-13.

Conditions:
Familial infantile myoclonic epilepsy (FIME). Also called: TBC1D24-Related Familial Infantile Myoclonic Epilepsy (FIME); Epilepsy, Myoclonic, Infantile. Identifiers: Orphanet 352582, MedGen C0917800, MONDO:0011506, OMIM 605021.

Allele frequency attached by ClinVar (database versions not stated): TOPMed 0.02211; gnomAD 0.01985 and 0.02118; 1000 Genomes Project 0.02097; 1000 Genomes Project 30x 0.02108; gnomAD exomes 0.00118.

Submissions (2):

Illumina Laboratory Services, Illumina
Classification: Benign for Familial infantile myoclonic epilepsy. Last evaluated: 2018-01-13. Review status: criteria provided, single submitter. Criteria: ICSL Variant Classification Criteria 13 December 2019. Collection method: clinical testing. Allele origin: germline.
Comment: This variant was observed in the ICSL laboratory as part of a predisposition screen in an ostensibly healthy population. It had not been previously curated by ICSL or reported in the Human Gene Mutation Database (HGMD: prior to June 1st, 2018), and was therefore a candidate for classification through an automated scoring system. Utilizing variant allele frequency, disease prevalence and penetrance estimates, and inheritance mode, an automated score was calculated to assess if this variant is too frequent to cause the disease. Based on the score and internal cut-off values, a variant classified as benign is not then subjected to further curation. The score for this variant resulted in a classification of benign for this disease.

Breakthrough Genomics
Classification: Benign. Review status: criteria provided, single submitter. Criteria: ACMG Guidelines, 2015. Collection method: not provided. Allele origin: germline. Inheritance: Autosomal recessive inheritance. Affected: yes.

NM_001199107.2(TBC1D24):c.*836C>T

Gene: TBC1D24 (TBC1 domain family member 24; plus strand). Cytogenetic location: 16p13.3.
Variant type: single nucleotide variant.
Coding change: c.*836C>T on transcript NM_001199107.2 (MANE Select); 836 bases downstream of the stop codon, C replaced by T.
Molecular consequence: 3 prime UTR variant.
Genome position (GRCh38, 1-based): chr16:2,501,794, C>T. VCF-style: chr16-2501794-C-T. GRCh37 (hg19) VCF-style: chr16-2551795-C-T.
Other names: c.*836C>T (NM_020705.3).
Identifiers: ClinVar variation 318637 (VCV000318637.6), dbSNP rs4075480, ClinGen allele CA10637435.